The following is an entry in ClinVar:

NM_004722.4(AP4M1):c.975-25_975-22del

Gene: AP4M1 (adaptor related protein complex 4 subunit mu 1; plus strand). Cytogenetic location: 7q22.1.
Variant type: Deletion.
Coding change: c.975-25_975-22del on transcript NM_004722.4 (MANE Select); 25 bases into the intron before coding-DNA position 975 through 22 bases into the intron before coding-DNA position 975, 4 bases deleted (GACT; older notation c.975-25_975-22delGACT).
Molecular consequence: intron variant.
Genome position (GRCh38, 1-based): chr7:100,106,216-100,106,219, GACT deleted; deleting any 4 consecutive bases within chr7:100,106,214-100,106,219 gives the same sequence; the c. name uses the placement nearest the transcript's 3' end. VCF-style (leftmost placement, unchanged base first): chr7-100106213-GCTGA-G. GRCh37 (hg19) VCF-style: chr7-99703836-GCTGA-G.
Other names: c.996-25_996-22del (NM_001363671.2).
Identifiers: ClinVar variation 2580218 (VCV002580218.1), dbSNP rs767251230, ClinGen allele CA4374902.

ClinVar aggregate classification (germline): Uncertain significance (1 of 4 stars; one submission).

Conditions:
Hereditary spastic paraplegia 50 (SPG50). Also called: Spastic paraplegia 50, autosomal recessive. Identifiers: Orphanet 280763, MedGen C2752008, MONDO:0013048, OMIM 612936.

Submission:

Illumina Laboratory Services, Illumina
Classification: Uncertain significance for Hereditary spastic paraplegia 50. Last evaluated: 2023-05-22. Review status: criteria provided, single submitter. Criteria: ICSLVariantClassificationCriteria RUGD 01 April 2020. Collection method: clinical testing. Allele origin: unknown.
Comment: The AP4M1 c.975-25_975-22del variant occurs in an intron and computational evidence suggests the variant may result in splicing defects. To our knowledge, this variant has not been reported in the peer-reviewed literature and is not observed at a significant frequency in version 2.1.1 or version 3.1.2 of the Genome Aggregation Database. Based on the available evidence, the c.975-25_975-22del variant is classified as a variant of uncertain significance for AP-4-associated hereditary spastic paraplegia.